The following continues an entry in ClinVar:

NM_000492.4(CFTR):c.2855T>C (p.Met952Thr)

Gene: CFTR. ClinVar aggregate classification (germline): Uncertain significance. Uncertain significance (1).

Submissions 7 to 15 of 15:

ARUP Laboratories, Molecular Genetics and Genomics, ARUP Laboratories
Classification: Likely pathogenic for Cystic fibrosis; Bronchiectasis with or without elevated sweat chloride 1; Hereditary pancreatitis; Congenital bilateral aplasia of vas deferens from CFTR mutation. Last evaluated: 2023-12-04. Review status: criteria provided, single submitter. Criteria: ARUP Molecular Germline Variant Investigation Process 2024. Collection method: clinical testing. Allele origin: germline. Not counted in ClinVar's aggregate classification.
Comment: The CFTR c.2855T>C; p.Met952Thr variant (rs142773283) is reported in the literature in multiple individuals affected with CFTR-related disorders when found with a pathogenic variant on the opposite chromosome (Cabrol 2016, Casals 2000, Gilljam 2004, Mak 1999, Wilschanski 2006). This variant is listed in ClinVar (Variation ID: 53579), and is observed in the general population with an overall allele frequency of 0.025% (71/282774 alleles, including a single homozygote) in the Genome Aggregation Database. The methionine at codon 952 is highly conserved, and computational analyses predict that this variant is deleterious (REVEL: 0.924). Additionally, another variant at this codon (c.2856G>C; p.Met952Ile) has been reported in individuals with CFTR-related disorders (Steiner 2011, Uzun 2005). While the p.Met952Thr variant is unlikely to cause classic cystic fibrosis, it is considered likely pathogenic for CFTR-related disorders. References: Cabrol C et al. Aquagenic Palmoplantar Keratoderma as a CFTR-related Disorder. Acta Derm Venereol. 2016 Aug 23;96(6):848-9. PMID: 27026144. Casals T et al. Heterogeneity for mutations in the CFTR gene and clinical correlations in patients with congenital absence of the vas deferens. Hum Reprod. 2000; 15(7):1476-83. PMID: 10875853. Gilljam M et al. Airway inflammation and infection in congenital bilateral absence of the vas deferens. Am J Respir Crit Care Med. 2004; 169(2):174-9. PMID: 14551163. Mak V et al. Proportion of cystic fibrosis gene mutations not detected by routine testing in men with obstructive azoospermia. JAMA. 1999; 281(23):2217-24. PMID: 10376575. Steiner B et al. Common CFTR haplotypes and susceptibility to chronic pancreatitis and congenital bilateral absence of the vas deferens. Hum Mutat. 2011; 32(8):912-20. PMID: 21520337. Uzun S et al. Cystic fibrosis transmembrane conductance regulator gene mutations in infertile males with congenital bilateral absence of the vas deferens. Tohoku J Exp Med. 2005 Dec;207(4):279-85. PMID: 16272798. Wilschanski M et al. Mutations in the cystic fibrosis transmembrane regulator gene and in vivo transepithelial potentials. Am J Respir Crit Care Med. 2006; 174(7):787-94. PMID: 16840743.

Clinical Genetics Laboratory, Skane University Hospital Lund
Classification: Uncertain significance. Last evaluated: 2023-06-27. Review status: criteria provided, single submitter. Criteria: ACMG Guidelines, 2015. Collection method: clinical testing. Allele origin: germline. Affected: yes. Not counted in ClinVar's aggregate classification.

Ambry Genetics
Classification: Uncertain significance for Cystic fibrosis. Last evaluated: 2023-06-16. Review status: criteria provided, single submitter. Criteria: Ambry Variant Classification Scheme 2023. Collection method: clinical testing. Allele origin: germline. Not counted in ClinVar's aggregate classification.
Comment: The p.M952T variant (also known as c.2855T>C), located in coding exon 17 of the CFTR gene, results from a T to C substitution at nucleotide position 2855. The methionine at codon 952 is replaced by threonine, an amino acid with similar properties. This variant has been described in individuals with congenital bilateral absence of the vas deferens (CBAVD) who were also heterozygous for p.F508del; however, the phase of the variants was not confirmed (Mak V et al. JAMA, 1999 Jun;281:2217-24; Casals T et al. Hum. Reprod., 2000 Jul;15:1476-83). In addition, this variant was reported in trans with a multi-exon deletion in an individual with aquagenic palmar keratoderma and elevated sweat chloride levels (Cabrol C et al. Acta Derm. Venereol., 2016 08;96:848-9). This variant was also reported in a patient with familial chronic pancreatitis who was homozygous for a pathogenic SPINK1 vairant (Schneider A et al. Gastroenterology, 2011 Jan;140:162-71). This variant has also been described in control and general populations (Martinez B et al. J. Hum. Genet., 2014 Apr;59:206-10; Grangeia A et al. Pulmonology Mar;24:3-9). This amino acid position is highly conserved in available vertebrate species. In addition, this alteration is predicted to be deleterious by in silico analysis. Based on available evidence to date, the clinical significance of this variant remains unclear.

Mayo Clinic Laboratories, Mayo Clinic
Classification: Uncertain significance. Last evaluated: 2023-01-23. Review status: criteria provided, single submitter. Criteria: ACMG Guidelines, 2015. Collection method: clinical testing. Allele origin: germline. Observed: 8 variant alleles. Not counted in ClinVar's aggregate classification.
Comment: PP3, PM2

Institute of Human Genetics, University of Leipzig Medical Center
Classification: Uncertain significance for Cystic fibrosis. Last evaluated: 2022-09-05. Review status: criteria provided, single submitter. Criteria: ACMG Guidelines, 2015. Collection method: curation. Allele origin: unknown. Affected: yes. Observed: 1 variant allele. Not counted in ClinVar's aggregate classification.
Comment: The variant was classified in the context of a project re-classifying variants in the German Cystic Fibrosis Registry (Muko.e.V.). Criteria applied: PM3, PM5, PP3, BS2

CeGaT Center for Human Genetics Tuebingen
Classification: Uncertain significance. Last evaluated: 2021-12-01. Review status: criteria provided, single submitter. Criteria: CeGaT Center For Human Genetics Tuebingen Variant Classification Criteria Version 2. Collection method: clinical testing. Allele origin: germline. Affected: yes. Observed: 1 variant allele. Not counted in ClinVar's aggregate classification.

Illumina Laboratory Services, Illumina
Classification: Likely pathogenic for CFTR-Related Disorders. Last evaluated: 2018-12-11. Review status: criteria provided, single submitter. Criteria: ICSL Variant Classification Criteria 09 May 2019. Collection method: clinical testing. Allele origin: germline. Not counted in ClinVar's aggregate classification.
Comment: The CFTR c.2855T>C (p.Met952Thr) missense variant has been reported in at least six studies and is reported in at least six individuals with CFTR-related disorders. Three of the individuals were males presenting with congenital bilateral absence of the vas deferens (CBAVD) in whom the p.Met952Thr variant was identified in a compound heterozygous state with the p.Phe508del variant (Mak et al. 1999; Casals et al. 2000; Wilschanski et al. 2006). In addition one individual with aquagenic palmoplantar keratoderma also carried the variant in a compound heterozygous state (Cabrol et al. 2016). The remaining two individuals presented with pancreatitis. In both individuals, the p.Met952Thr variant was identified in a heterozygous state along with additional variants in other genes including an intronic heterozygous variant in the PRSS1 gene and a homozygous variant in the SPINK1 gene (Keiles et al. 2006; Schneider et al. 2011). The p.Met952Thr variant was present in one of 274 controls (Wilschanski et al. 2006; Schneider et al. 2011; Martinez et al. 2014) and is also reported at a frequency of 0.00058 in the European (non-Finnish) population of the Exome Aggregation Consortium, including one individual with the variant in a homozygous state. This variant has not been reported in individuals presenting with classic CF and is thought to be associated with a mild CF phenotype when present in trans with a second pathogenic variant (Schneider et al. 2011). Another variant at the same amino acid position (p. Met952Ile) has also been identified in probands with CFTR-related disorders (Uzun et al. 2005; Steiner et al. 2011). Based on the collective evidence, the p.Met952Thr variant is classified as likely pathogenic for CFTR-related disorders. This variant was observed by ICSL as part of a predisposition screen in an ostensibly healthy population.

Eurofins Ntd Llc (ga)
Classification: Uncertain significance. Last evaluated: 2016-10-07. Review status: criteria provided, single submitter. Criteria: EGL Classification Definitions 2015. Collection method: clinical testing. Allele origin: germline. Observed: 1 variant allele, 1 heterozygote. Not counted in ClinVar's aggregate classification.

Ambry Genetics
Classification: Uncertain significance for Inborn genetic diseases. Last evaluated: 2014-06-05. Review status: criteria provided, single submitter. Criteria: Ambry exome assertion method (8-5-2015). Collection method: clinical testing. Allele origin: germline. Affected: yes. Observed: 1 variant allele. Not counted in ClinVar's aggregate classification.

Literature cited by the submitters: PubMed 10875853 (cited by 5 submitters); PubMed 17003641 (cited by 3 submitters); PubMed 20977904 (cited by 4 submitters); PubMed 25087612 (cited by Labcorp Genetics (formerly Invitae), Labcorp); PubMed 27026144 (cited by 6 submitters); PubMed 29589582 (cited by 3 submitters); PubMed 34949556 (cited by 4 submitters); PubMed 10200050 (cited by Labcorp Genetics (formerly Invitae), Labcorp); PubMed 15070876 (cited by Labcorp Genetics (formerly Invitae), Labcorp); PubMed 15287992 (cited by Labcorp Genetics (formerly Invitae), Labcorp); PubMed 16272798 (cited by Labcorp Genetics (formerly Invitae), Labcorp and Illumina Laboratory Services, Illumina); PubMed 16980811 (cited by Labcorp Genetics (formerly Invitae), Labcorp); PubMed 21520337 (cited by Labcorp Genetics (formerly Invitae), Labcorp and Illumina Laboratory Services, Illumina); PubMed 23276700 (cited by Labcorp Genetics (formerly Invitae), Labcorp); PubMed 24697796 (cited by Natera, Inc. and Women's Health and Genetics/Laboratory Corporation of America, LabCorp); PubMed 33919435 (cited by Natera, Inc. and Women's Health and Genetics/Laboratory Corporation of America, LabCorp); PubMed 38388235 (cited by 3 submitters); PubMed 24451227 (cited by 4 submitters); PubMed 10376575 (cited by 4 submitters); PubMed 14551163 (cited by Quest Diagnostics Nichols Institute San Juan Capistrano and Women's Health and Genetics/Laboratory Corporation of America, LabCorp); PubMed 25033378 (cited by 3 submitters); PubMed 16840743 (cited by 3 submitters); PubMed 25735457 (cited by Women's Health and Genetics/Laboratory Corporation of America, LabCorp); PubMed 26354092 (cited by Women's Health and Genetics/Laboratory Corporation of America, LabCorp and Ambry Genetics); PubMed 11796591 (cited by Women's Health and Genetics/Laboratory Corporation of America, LabCorp); PubMed 31310009 (cited by 3 submitters); PubMed 31682332 (cited by Women's Health and Genetics/Laboratory Corporation of America, LabCorp); PubMed 32773111 (cited by Women's Health and Genetics/Laboratory Corporation of America, LabCorp); PubMed 33322690 (cited by Women's Health and Genetics/Laboratory Corporation of America, LabCorp); PubMed 34996830 (cited by Women's Health and Genetics/Laboratory Corporation of America, LabCorp); PubMed 34782259 (cited by Women's Health and Genetics/Laboratory Corporation of America, LabCorp); PubMed 30420236 (cited by Women's Health and Genetics/Laboratory Corporation of America, LabCorp); PubMed 27673710 (cited by Ambry Genetics and Mayo Clinic Laboratories, Mayo Clinic); PubMed 29174009 (cited by Ambry Genetics); PubMed 34426522 (cited by Mayo Clinic Laboratories, Mayo Clinic); PubMed 34583889 (cited by Mayo Clinic Laboratories, Mayo Clinic); PubMed 35527187 (cited by Mayo Clinic Laboratories, Mayo Clinic); PubMed 35652053 (cited by Mayo Clinic Laboratories, Mayo Clinic); PubMed 35913788 (cited by Mayo Clinic Laboratories, Mayo Clinic); PubMed 36207272 (cited by Mayo Clinic Laboratories, Mayo Clinic).